The following is an entry in ClinVar:

ClinVar aggregate classification (germline): Uncertain significance. Review status: criteria provided, multiple submitters, no conflicts (2 of 4 stars). 2 submissions from 2 submitters: Uncertain significance (2). Last evaluated 2025-03-31.

Conditions:
Inborn genetic diseases. Identifiers: MedGen C0950123, MeSH D030342.

Submissions (2):

Ambry Genetics
Classification: Uncertain significance for Inborn genetic diseases. Last evaluated: 2025-03-31. Review status: criteria provided, single submitter. Criteria: Ambry Variant Classification Scheme 2023. Collection method: clinical testing. Allele origin: germline.
Comment: The p.P2036A variant (also known as c.6106C>G), located in coding exon 23 of the FANCM gene, results from a C to G substitution at nucleotide position 6106. The proline at codon 2036 is replaced by alanine, an amino acid with highly similar properties. This amino acid position is conserved. In addition, the in silico prediction for this alteration is inconclusive. Based on the available evidence, the clinical significance of this variant remains unclear.

GeneDx
Classification: Uncertain significance. Last evaluated: 2024-09-22. Review status: criteria provided, single submitter. Criteria: GeneDx Variant Classification Process June 2021. Collection method: clinical testing. Allele origin: germline. Affected: yes.
Comment: Not observed at significant frequency in large population cohorts (gnomAD); In silico analysis supports that this missense variant has a deleterious effect on protein structure/function; Has not been previously published as pathogenic or benign to our knowledge

NM_020937.4(FANCM):c.6106C>G (p.Pro2036Ala)

Gene: FANCM (FA complementation group M; plus strand). Cytogenetic location: 14q21.2.
Variant type: single nucleotide variant.
Coding change: c.6106C>G on transcript NM_020937.4 (MANE Select); coding-DNA position 6106, C replaced by G.
Protein change: p.Pro2036Ala; replaces proline 2036 with alanine.
Molecular consequence: missense variant.
Genome position (GRCh38, 1-based): chr14:45,199,967, C>G. VCF-style: chr14-45199967-C-G. GRCh37 (hg19) VCF-style: chr14-45669170-C-G.
Other names: c.6028C>G, p.Pro2010Ala (NM_001308133.2); short protein forms P2010A, P2036A.
Identifiers: ClinVar variation 3773880 (VCV003773880.2).